The following is an entry in ClinVar:

ClinVar aggregate classification (germline): Pathogenic (1 of 4 stars; one submission).

Submission:

GeneDx
Classification: Pathogenic. Last evaluated: 2018-07-02. Review status: criteria provided, single submitter. Criteria: GeneDx Variant Classification (06012015). Collection method: clinical testing. Allele origin: germline. Affected: yes.
Comment: A variant that is pathogenic has been identified in the ERLIN2 gene. The c.353delA variant in the ERLIN2 gene causes a frameshift starting with codon Asparagine 118, changes this amino acid to aThreonine residue and creates a premature Stop codon at position 7 of the new reading frame, denotedp.Asn118ThrfsX7. This variant is predicted to cause loss of normal protein function either throughprotein truncation or nonsense-mediated mRNA decay. The c.353delA variant is not observed in large population cohorts (Lek et al., 2016). Although this pathogenic variant has not been previously reported to our knowledge, other loss-of-function variants in the ERLIN2 gene have been reported in the Human Gene Mutation Database in association with ERLIN2-related disorders (Stenson et al., 2014). Therefore, based on the currently available information, this variant is interpreted to be pathogenic.

NM_007175.8(ERLIN2):c.353del (p.Asn118fs)

Gene: ERLIN2 (ER lipid raft associated 2; plus strand). Cytogenetic location: 8p11.23.
Variant type: Deletion.
Coding change: c.353del on transcript NM_007175.8 (MANE Select); coding-DNA position 353, one base deleted (A; older notation c.353delA).
Protein change: p.Asn118fs; shifts the reading frame from asparagine 118.
Molecular consequence: frameshift variant.
Genome position (GRCh38, 1-based): chr8:37,744,625, A deleted; the last of 2 consecutive A bases (chr8:37,744,624-37,744,625); deleting either gives the same sequence. VCF-style (leftmost placement, unchanged base first): chr8-37744623-CA-C. GRCh37 (hg19) VCF-style: chr8-37602141-CA-C.
Other names: c.353del, p.Asn118fs (NM_001003790.4, NM_001003791.3, NM_001362878.2 and 1 more transcripts); short protein forms N118fs.
Identifiers: ClinVar variation 817651 (VCV000817651.1), dbSNP rs1585907153, ClinGen allele CA915945651.